The following is an entry in ClinVar:

ClinVar aggregate classification (germline): Uncertain significance (1 of 4 stars; one submission).

Submission:

Ambry Genetics
Classification: Uncertain significance. Last evaluated: 2022-12-24. Review status: criteria provided, single submitter. Criteria: Ambry Variant Classification Scheme 2023. Collection method: clinical testing. Allele origin: germline.
Comment: The p.V266M variant (also known as c.796G>A), located in coding exon 8 of the RAD54L gene, results from a G to A substitution at nucleotide position 796. The valine at codon 266 is replaced by methionine, an amino acid with highly similar properties. This amino acid position is conserved. In addition, the in silico prediction for this alteration is inconclusive. Since supporting evidence is limited at this time, the clinical significance of this alteration remains unclear.

NM_003579.4(RAD54L):c.796G>A (p.Val266Met)

Gene: RAD54L (RAD54 like; plus strand). Cytogenetic location: 1p34.1.
Variant type: single nucleotide variant.
Coding change: c.796G>A on transcript NM_003579.4 (MANE Select); coding-DNA position 796, G replaced by A.
Protein change: p.Val266Met; replaces valine 266 with methionine.
Molecular consequence: missense variant.
Genome position (GRCh38, 1-based): chr1:46,261,290, G>A. VCF-style: chr1-46261290-G-A. GRCh37 (hg19) VCF-style: chr1-46726962-G-A.
Other names: c.796G>A, p.Val266Met (NM_001142548.2); c.256G>A, p.Val86Met (NM_001370766.1); short protein forms V266M, V86M.
Identifiers: ClinVar variation 2447798 (VCV002447798.2), dbSNP rs139487723, ClinGen allele CA340188643.